The following is an entry in ClinVar:

NM_001368397.1(FRMPD4):c.1858G>A (p.Ala620Thr)

Gene: FRMPD4 (FERM and PDZ domain containing 4; plus strand). Cytogenetic location: Xp22.2.
Variant type: single nucleotide variant.
Coding change: c.1858G>A on transcript NM_001368397.1 (MANE Select); coding-DNA position 1858, G replaced by A.
Protein change: p.Ala620Thr; replaces alanine 620 with threonine.
Molecular consequence: missense variant.
Genome position (GRCh38, 1-based): chrX:12,716,317, G>A. VCF-style: chrX-12716317-G-A. GRCh37 (hg19) VCF-style: chrX-12734436-G-A.
Other names: c.1969G>A, p.Ala657Thr (NM_001368395.3, NM_001368398.3); c.1864G>A, p.Ala622Thr (NM_001368396.3); c.1849G>A, p.Ala617Thr (NM_001368399.3); c.1738G>A, p.Ala580Thr (NM_001368400.3); c.1834G>A, p.Ala612Thr (NM_001368401.1, NM_001368402.3); c.1858G>A, p.Ala620Thr (NM_014728.3); short protein forms A580T, A612T, A617T, A620T, A622T, A657T.
Identifiers: ClinVar variation 1180283 (VCV001180283.5), dbSNP rs767573090, ClinGen allele CA10349374.
Genomic context (GRCh38, chrX:12,716,317, plus strand): 5'-GCCTATAGTTCAGATGGACTTAACCAGCAGCTGAGCCAGCCCGGGGAGGCCCCCTGTGAG[G>A]CAGACTACAGAAGTCTAGCTCAGCGGTCCCTATTGACCCTCTCAGGACCAGAAACTCTGA-3'
Protein context (NP_001355326.1, residues 610-630): LSQPGEAPCE[Ala620Thr]DYRSLAQRSL

ClinVar aggregate classification (germline): Uncertain significance (1 of 4 stars; one submission).

Allele frequency attached by ClinVar (database versions not stated): TOPMed below 0.00001; ExAC 0.00001; gnomAD exomes 0.00001.
gnomAD v4.1: 5 of 1,210,903 alleles (0.00041%); highest among the groups gnomAD compares: Non-Finnish European, 0.00056%; no homozygotes.

Submission:

GeneDx
Classification: Uncertain significance. Last evaluated: 2025-10-18. Review status: criteria provided, single submitter. Criteria: GeneDx Variant Classification Process June 2021. Collection method: clinical testing. Allele origin: germline. Affected: yes.
Comment: In silico analysis suggests that this missense variant does not alter protein structure/function; Has not been previously published as pathogenic or benign to our knowledge